The following is an entry in ClinVar:

ClinVar aggregate classification (germline): Uncertain significance. Review status: criteria provided, multiple submitters, no conflicts (2 of 4 stars). 3 submissions from 3 submitters: Uncertain significance (3). Last evaluated 2024-06-20.

Conditions:
Hereditary cancer-predisposing syndrome. Also called: Neoplastic Syndromes, Hereditary; Tumor predisposition; Hereditary Cancer Syndrome; Hereditary neoplastic syndrome. Identifiers: Orphanet 140162, MedGen C0027672, MeSH D009386, MONDO:0015356.
Gastrointestinal stromal tumor. Also called: Gastrointestinal stromal tumor, somatic; Gastrointestinal stroma tumor. Identifiers: Orphanet 44890, MedGen C0238198, MeSH D046152, MONDO:0011719, OMIM 606764, HP:0100723.

Allele frequency attached by ClinVar (database versions not stated): gnomAD exomes below 0.00001 and 0.00001.
gnomAD v4.1: 3 of 1,610,872 alleles (0.00019%); highest among the groups gnomAD compares: Non-Finnish European, 0.00025%; no homozygotes.

Submissions (3):

Ambry Genetics
Classification: Uncertain significance for Hereditary cancer-predisposing syndrome. Last evaluated: 2024-06-20. Review status: criteria provided, single submitter. Criteria: Ambry Variant Classification Scheme 2023. Collection method: clinical testing. Allele origin: germline.
Comment: The p.I902V variant (also known as c.2704A>G), located in coding exon 20 of the KIT gene, results from an A to G substitution at nucleotide position 2704. The isoleucine at codon 902 is replaced by valine, an amino acid with highly similar properties. This amino acid position is conserved. In addition, this alteration is predicted to be tolerated by in silico analysis. Since supporting evidence is limited at this time, the clinical significance of this alteration remains unclear.

GeneDx
Classification: Uncertain significance. Last evaluated: 2024-06-05. Review status: criteria provided, single submitter. Criteria: GeneDx Variant Classification Process June 2021. Collection method: clinical testing. Allele origin: germline. Affected: yes.
Comment: Not observed at significant frequency in large population cohorts (gnomAD); In silico analysis indicates that this missense variant does not alter protein structure/function; Has not been previously published as pathogenic or benign to our knowledge

Labcorp Genetics (formerly Invitae), Labcorp
Classification: Uncertain significance for Gastrointestinal stromal tumor. Last evaluated: 2024-03-01. Review status: criteria provided, single submitter. Criteria: Invitae Variant Classification Sherloc (09022015). Collection method: clinical testing. Allele origin: germline.
Comment: This sequence change replaces isoleucine, which is neutral and non-polar, with valine, which is neutral and non-polar, at codon 902 of the KIT protein (p.Ile902Val). This variant is present in population databases (no rsID available, gnomAD 0.0009%). This variant has not been reported in the literature in individuals affected with KIT-related conditions. ClinVar contains an entry for this variant (Variation ID: 846170). Algorithms developed to predict the effect of missense changes on protein structure and function output the following: SIFT: "Not Available"; PolyPhen-2: "Benign"; Align-GVGD: "Not Available". The valine amino acid residue is found in multiple mammalian species, which suggests that this missense change does not adversely affect protein function. In summary, the available evidence is currently insufficient to determine the role of this variant in disease. Therefore, it has been classified as a Variant of Uncertain Significance.

NM_000222.3(KIT):c.2704A>G (p.Ile902Val)

Gene: KIT (KIT proto-oncogene, receptor tyrosine kinase; plus strand). Cytogenetic location: 4q12.
Variant type: single nucleotide variant.
Coding change: c.2704A>G on transcript NM_000222.3 (MANE Select); coding-DNA position 2704, A replaced by G.
Protein change: p.Ile902Val; replaces isoleucine 902 with valine.
Molecular consequence: missense variant.
Genome position (GRCh38, 1-based): chr4:54,737,182, A>G. VCF-style: chr4-54737182-A-G. GRCh37 (hg19) VCF-style: chr4-55603348-A-G.
Other names: c.2692A>G, p.Ile898Val (NM_001093772.2, NM_001385292.1); c.2707A>G, p.Ile903Val (NM_001385284.1); c.2701A>G, p.Ile901Val (NM_001385285.1); c.2689A>G, p.Ile897Val (NM_001385286.1); c.2695A>G, p.Ile899Val (NM_001385288.1); c.2704A>G, p.Ile902Val (NM_001385290.1); short protein forms I898V, I902V, I897V, I899V, I901V, I903V.
Identifiers: ClinVar variation 846170 (VCV000846170.12), dbSNP rs1435319685, ClinGen allele CA356914198.